The following is an entry in ClinVar:

ClinVar aggregate classification (germline): Uncertain significance (1 of 4 stars; one submission).

Submission:

GeneDx
Classification: Uncertain significance. Last evaluated: 2025-02-16. Review status: criteria provided, single submitter. Criteria: GeneDx Variant Classification Process June 2021. Collection method: clinical testing. Allele origin: germline. Affected: yes.
Comment: Not observed at significant frequency in large population cohorts (gnomAD); In silico analysis indicates that this missense variant does not alter protein structure/function; Has not been previously published as pathogenic or benign to our knowledge

NM_000145.4(FSHR):c.2015G>A (p.Cys672Tyr)

Gene: FSHR (follicle stimulating hormone receptor; minus strand). Cytogenetic location: 2p16.3.
Variant type: single nucleotide variant.
Coding change: c.2015G>A on transcript NM_000145.4 (MANE Select); coding-DNA position 2015, G replaced by A.
Protein change: p.Cys672Tyr; replaces cysteine 672 with tyrosine.
Molecular consequence: missense variant.
Genome position (GRCh38, 1-based): chr2:48,962,806, C>T on the plus strand (G>A on the coding strand, the complement: FSHR is on the minus strand). VCF-style: chr2-48962806-C-T. GRCh37 (hg19) VCF-style: chr2-49189945-C-T.
Other names: c.1937G>A, p.Cys646Tyr (NM_181446.3); short protein forms C646Y, C672Y.
Identifiers: ClinVar variation 4075609 (VCV004075609.1).